The following is an entry in ClinVar:

ClinVar aggregate classification (germline): Pathogenic (1 of 4 stars; one submission).

Conditions:
Generalized epilepsy with febrile seizures plus, type 7 (GEFSP7). Also called: GEFS+, TYPE 7. Identifiers: Orphanet 36387, MedGen C2751778, MONDO:0013470, OMIM 613863.
Neuropathy, hereditary sensory and autonomic, type 2A (HSAN2A). Also called: ACROOSTEOLYSIS, NEUROGENIC; ACROOSTEOLYSIS, GIACCAI TYPE; MORVAN DISEASE; WNK1-Related HSAN2 (HSAN2A); NEUROPATHY, CONGENITAL SENSORY; NEUROPATHY, HEREDITARY SENSORY RADICULAR, AUTOSOMAL RECESSIVE. Identifiers: Orphanet 970, MedGen C2752089, MONDO:0024309, OMIM 201300.

Submission:

Labcorp Genetics (formerly Invitae), Labcorp
Classification: Pathogenic for Neuropathy, hereditary sensory and autonomic, type 2A; Generalized epilepsy with febrile seizures plus, type 7. Last evaluated: 2021-10-25. Review status: criteria provided, single submitter. Criteria: Invitae Variant Classification Sherloc (09022015). Collection method: clinical testing. Allele origin: germline.
Comment: This sequence change affects an acceptor splice site in intron 17 of the SCN9A gene. It is expected to disrupt RNA splicing. Variants that disrupt the donor or acceptor splice site typically lead to a loss of protein function (PMID: 16199547), and loss-of-function variants in SCN9A are known to be pathogenic (PMID: 17470132, 19304393). Disruption of this splice site has been observed in individual(s) with autosomal recessive SCN9A-related conditions (PMID: 34090020). In at least one individual the data is consistent with the variant being in trans (on the opposite chromosome) from a pathogenic variant. Algorithms developed to predict the effect of sequence changes on RNA splicing suggest that this variant may disrupt the consensus splice site. For these reasons, this variant has been classified as Pathogenic. This variant is not present in population databases (gnomAD no frequency).

Literature cited by the submitters: PubMed 16199547; PubMed 17470132; PubMed 19304393; PubMed 34090020.

NM_001365536.1(SCN9A):c.3352-1G>A

Genes: SCN9A (sodium voltage-gated channel alpha subunit 9; minus strand), SCN1A-AS1 (SCN1A and SCN9A antisense RNA 1; plus strand). Cytogenetic location: 2q24.3.
Variant type: single nucleotide variant.
Coding change: c.3352-1G>A on transcript NM_001365536.1 (MANE Select); the canonical splice acceptor site of the intron before coding-DNA position 3352, G replaced by A.
Molecular consequence: splice acceptor variant. On other transcripts: non-coding transcript variant (1).
Genome position (GRCh38, 1-based): chr2:166,251,886, C>T on the plus strand (G>A on the coding strand, the complement: SCN9A is on the minus strand). VCF-style: chr2-166251886-C-T. GRCh37 (hg19) VCF-style: chr2-167108396-C-T.
Other names: c.3319-1G>A (NM_002977.4).
Identifiers: ClinVar variation 1451242 (VCV001451242.6), dbSNP rs2106426576, ClinGen allele CA349072189.